The following is an entry in ClinVar:

ClinVar aggregate classification (germline): Benign. Review status: criteria provided, multiple submitters, no conflicts (2 of 4 stars). 3 submissions from 3 submitters: Benign (3). Last evaluated 2018-12-09.

Conditions:
Ulnar-mammary syndrome (UMS). Also called: SCHINZEL SYNDROME; Ulnar-mammary syndrome of Pallister; PALLISTER ULNAR-MAMMARY SYNDROME. Identifiers: Orphanet 3138, MedGen C1866994, MONDO:0008411, OMIM 181450.

Allele frequency attached by ClinVar (database versions not stated): gnomAD exomes 0.02011; gnomAD 0.03519 and 0.03582; TOPMed 0.03648; 1000 Genomes Project 0.04193; 1000 Genomes Project 30x 0.04419.

Submissions (3):

GeneDx
Classification: Benign. Last evaluated: 2018-12-09. Review status: criteria provided, single submitter. Criteria: GeneDx Variant Classification Process June 2021. Collection method: clinical testing. Allele origin: germline. Affected: yes.

Illumina Laboratory Services, Illumina
Classification: Benign for Ulnar-mammary syndrome. Last evaluated: 2018-01-12. Review status: criteria provided, single submitter. Criteria: ICSL Variant Classification Criteria 13 December 2019. Collection method: clinical testing. Allele origin: germline.
Comment: This variant was observed in the ICSL laboratory as part of a predisposition screen in an ostensibly healthy population. It had not been previously curated by ICSL or reported in the Human Gene Mutation Database (HGMD: prior to June 1st, 2018), and was therefore a candidate for classification through an automated scoring system. Utilizing variant allele frequency, disease prevalence and penetrance estimates, and inheritance mode, an automated score was calculated to assess if this variant is too frequent to cause the disease. Based on the score and internal cut-off values, a variant classified as benign is not then subjected to further curation. The score for this variant resulted in a classification of benign for this disease.

Breakthrough Genomics
Classification: Benign. Review status: criteria provided, single submitter. Criteria: ACMG Guidelines, 2015. Collection method: not provided. Allele origin: germline. Inheritance: Autosomal dominant inheritance. Affected: yes.

NM_005996.4(TBX3):c.-727T>C

Genes: TBX3-AS1 (TBX3 antisense RNA 1; plus strand), TBX3 (T-box transcription factor 3; minus strand). Cytogenetic location: 12q24.21.
Variant type: single nucleotide variant.
Coding change: c.-727T>C on transcript NM_005996.4 (MANE Select); 727 bases upstream of the start codon, T replaced by C.
Molecular consequence: 5 prime UTR variant.
Genome position (GRCh38, 1-based): chr12:114,683,927, A>G on the plus strand (T>C on the coding strand, the complement: TBX3 is on the minus strand). VCF-style: chr12-114683927-A-G. GRCh37 (hg19) VCF-style: chr12-115121732-A-G.
Other names: c.-727T>C (NM_016569.4).
Identifiers: ClinVar variation 307400 (VCV000307400.7), dbSNP rs36203374, ClinGen allele CA10636602.
Genomic context (GRCh38, chr12:114,683,927, plus strand): 5'-CCGCCCTCCTCCTCCTTCCTCTGCTCCGAGCCTCCGGAGGGTGTCTCGGTTTCAATCCAA[A>G]TCTTGCTGGGCTCTTCTCCCGTGCCTCTCTCTCTTCCTTGTCCTAAAACGTGAGCGAATT-3'